The following is an entry in ClinVar:

ClinVar aggregate classification (germline): Uncertain significance. Review status: criteria provided, multiple submitters, no conflicts (2 of 4 stars). 5 submissions from 5 submitters: Uncertain significance (5). Last evaluated 2025-02-19.

Conditions:
Chédiak-Higashi syndrome (CHS). Also called: Chediak-Higashi Syndrome. Identifiers: Orphanet 167, MedGen C0007965, MONDO:0008963, OMIM 214500.

Allele frequency attached by ClinVar (database versions not stated): gnomAD 0.00006 and 0.00008; TOPMed 0.00006; gnomAD exomes 0.00010; ExAC 0.00014; ESP Exome Variant Server 0.00015; 1000 Genomes Project 0.00020; 1000 Genomes Project 30x 0.00031.
gnomAD v4.1: 171 of 1,613,326 alleles (0.011%); highest among the groups gnomAD compares: Middle Eastern, 0.066%; 1 homozygote.

Submissions (5):

Mayo Clinic Laboratories, Mayo Clinic
Classification: Uncertain significance. Last evaluated: 2025-02-19. Review status: criteria provided, single submitter. Criteria: ACMG Guidelines, 2015. Collection method: clinical testing. Allele origin: germline. Observed: 2 variant alleles.
Comment: BP4

Blueprint Genetics
Classification: Uncertain significance. Last evaluated: 2024-11-13. Review status: criteria provided, single submitter. Criteria: ACMG Guidelines, 2015. Collection method: clinical testing. Allele origin: germline.

Women's Health and Genetics/Laboratory Corporation of America, LabCorp
Classification: Uncertain significance. Last evaluated: 2023-12-22. Review status: criteria provided, single submitter. Criteria: LabCorp Variant Classification Summary - May 2015. Collection method: clinical testing. Allele origin: germline.
Comment: Variant summary: LYST c.6149G>A (p.Arg2050Gln) results in a conservative amino acid change in the encoded protein sequence. Four of five in-silico tools predict a benign effect of the variant on protein function. The variant allele was found at a frequency of 0.0001 in 250548 control chromosomes. This frequency is not significantly higher than estimated for a pathogenic variant in LYST causing Chediak-Higashi Syndrome (0.0001 vs 0.0011), allowing no conclusion about variant significance. To our knowledge, no occurrence of c.6149G>A has been reported in the literature in individuals affected with Chediak-Higashi Syndrome and no experimental evidence demonstrating an impact on protein function has been reported. The following publications have been ascertained in the context of this evaluation (PMID: 27679996, 36203604). Two submitters have cited clinical-significance assessments for this variant to ClinVar after 2014. All submitters classified the variant as uncertain significance. Based on the evidence outlined above, the variant was classified as uncertain significance.

Labcorp Genetics (formerly Invitae), Labcorp
Classification: Uncertain significance for Chédiak-Higashi syndrome. Last evaluated: 2022-08-03. Review status: criteria provided, single submitter. Criteria: Invitae Variant Classification Sherloc (09022015). Collection method: clinical testing. Allele origin: germline.
Comment: This sequence change replaces arginine, which is basic and polar, with glutamine, which is neutral and polar, at codon 2050 of the LYST protein (p.Arg2050Gln). This variant is present in population databases (rs376311093, gnomAD 0.05%). This variant has not been reported in the literature in individuals affected with LYST-related conditions. ClinVar contains an entry for this variant (Variation ID: 656382). Algorithms developed to predict the effect of missense changes on protein structure and function output the following: SIFT: "Tolerated"; PolyPhen-2: "Benign"; Align-GVGD: "Class C0". The glutamine amino acid residue is found in multiple mammalian species, which suggests that this missense change does not adversely affect protein function. In summary, the available evidence is currently insufficient to determine the role of this variant in disease. Therefore, it has been classified as a Variant of Uncertain Significance.

Breakthrough Genomics
Classification: Uncertain significance. Review status: criteria provided, single submitter. Criteria: ACMG Guidelines, 2015. Collection method: not provided. Allele origin: germline. Inheritance: Autosomal recessive inheritance. Affected: yes.

Literature cited by the submitters: PubMed 27679996 (cited by Women's Health and Genetics/Laboratory Corporation of America, LabCorp); PubMed 36203604 (cited by Women's Health and Genetics/Laboratory Corporation of America, LabCorp).

NM_000081.4(LYST):c.6149G>A (p.Arg2050Gln)

Gene: LYST (lysosomal trafficking regulator; minus strand). Cytogenetic location: 1q42.3.
Variant type: single nucleotide variant.
Coding change: c.6149G>A on transcript NM_000081.4 (MANE Select); coding-DNA position 6149, G replaced by A.
Protein change: p.Arg2050Gln; replaces arginine 2050 with glutamine.
Molecular consequence: missense variant.
Genome position (GRCh38, 1-based): chr1:235,762,824, C>T on the plus strand (G>A on the coding strand, the complement: LYST is on the minus strand). VCF-style: chr1-235762824-C-T. GRCh37 (hg19) VCF-style: chr1-235926124-C-T.
Other names: c.6149G>A, p.Arg2050Gln (NM_001301365.1); short protein forms R2050Q.
Identifiers: ClinVar variation 656382 (VCV000656382.14), dbSNP rs376311093, ClinGen allele CA1466436.